The following is an entry in ClinVar:

ClinVar aggregate classification (germline): Uncertain significance. Review status: criteria provided, multiple submitters, no conflicts (2 of 4 stars). 2 submissions from 2 submitters: Uncertain significance (2). Last evaluated 2025-05-29.

Conditions:
CACNA1F-related disorder. Also called: CACNA1F-related condition.

Allele frequency attached by ClinVar (database versions not stated): TOPMed 0.00001; ExAC 0.00003; gnomAD 0.00004; ESP Exome Variant Server 0.00009.
gnomAD v4.1: 14 of 1,206,325 alleles (0.0012%); highest among the groups gnomAD compares: East Asian, 0.003%; no homozygotes.

Submissions (2):

Labcorp Genetics (formerly Invitae), Labcorp
Classification: Uncertain significance. Last evaluated: 2025-05-29. Review status: criteria provided, single submitter. Criteria: Invitae Variant Classification Sherloc (09022015). Collection method: clinical testing. Allele origin: germline.
Comment: This sequence change replaces arginine, which is basic and polar, with cysteine, which is neutral and slightly polar, at codon 1916 of the CACNA1F protein (p.Arg1916Cys). The frequency data for this variant in the population databases is considered unreliable, as metrics indicate poor data quality at this position in the gnomAD database. This variant has not been reported in the literature in individuals affected with CACNA1F-related conditions. ClinVar contains an entry for this variant (Variation ID: 1505522). An algorithm developed to predict the effect of missense changes on protein structure and function outputs the following: PolyPhen-2: "Benign". The cysteine amino acid residue is found in multiple mammalian species, which suggests that this missense change does not adversely affect protein function. In summary, the available evidence is currently insufficient to determine the role of this variant in disease. Therefore, it has been classified as a Variant of Uncertain Significance.

PreventionGenetics, part of Exact Sciences
Classification: Uncertain significance for CACNA1F-related condition. Last evaluated: 2025-04-26. Review status: criteria provided, single submitter. Criteria: ACMG Guidelines, 2015. Collection method: clinical testing. Allele origin: germline.
Comment: The CACNA1F c.5746C>T variant is predicted to result in the amino acid substitution p.Arg1916Cys. To our knowledge, this variant has not been reported in the literature. This variant is reported in 0.0079% of alleles in individuals of African descent in gnomAD. At this time, the clinical significance of this variant is uncertain due to the absence of conclusive functional and genetic evidence.

NM_001256789.3(CACNA1F):c.5713C>T (p.Arg1905Cys)

Gene: CACNA1F (calcium voltage-gated channel subunit alpha1 F; minus strand). Cytogenetic location: Xp11.23.
Variant type: single nucleotide variant.
Coding change: c.5713C>T on transcript NM_001256789.3 (MANE Select); coding-DNA position 5713, C replaced by T.
Protein change: p.Arg1905Cys; replaces arginine 1905 with cysteine.
Molecular consequence: missense variant.
Genome position (GRCh38, 1-based): chrX:49,205,325, G>A on the plus strand (C>T on the coding strand, the complement: CACNA1F is on the minus strand). VCF-style: chrX-49205325-G-A. GRCh37 (hg19) VCF-style: chrX-49061785-G-A.
Other names: c.5746C>T (NM_005183.3); c.5551C>T, p.Arg1851Cys (NM_001256790.3); c.5746C>T, p.Arg1916Cys (NM_005183.4); short protein forms R1916C, R1905C, R1851C.
Identifiers: ClinVar variation 1505522 (VCV001505522.9), dbSNP rs372947982, ClinGen allele CA10409915.